The following is an entry in ClinVar:

NM_000781.3(CYP11A1):c.1077G>A (p.Ala359=)

Gene: CYP11A1 (cytochrome P450 family 11 subfamily A member 1; minus strand). Cytogenetic location: 15q24.1.
Variant type: single nucleotide variant.
Coding change: c.1077G>A on transcript NM_000781.3 (MANE Select); coding-DNA position 1077, G replaced by A.
Protein change: p.Ala359=; no amino-acid change (alanine 359 retained).
Molecular consequence: synonymous variant.
Genome position (GRCh38, 1-based): chr15:74,339,667, C>T on the plus strand (G>A on the coding strand, the complement: CYP11A1 is on the minus strand). VCF-style: chr15-74339667-C-T. GRCh37 (hg19) VCF-style: chr15-74632008-C-T.
Other names: c.603G>A, p.Ala201= (NM_001099773.2).
Identifiers: ClinVar variation 2959937 (VCV002959937.17), dbSNP rs987318812, ClinGen allele CA272786979.

ClinVar aggregate classification (germline): Likely benign. Review status: criteria provided, multiple submitters, no conflicts (2 of 4 stars). 3 submissions from 3 submitters: Likely benign (3). Last evaluated 2025-02-01.

Allele frequency attached by ClinVar (database versions not stated): gnomAD exomes 0.00001; gnomAD 0.00002; TOPMed 0.00002.
gnomAD v4.1: 25 of 1,614,024 alleles (0.0015%); highest among the groups gnomAD compares: South Asian, 0.0022%; no homozygotes.

Submissions (3):

CeGaT Center for Human Genetics Tuebingen
Classification: Likely benign. Last evaluated: 2025-02-01. Review status: criteria provided, single submitter. Criteria: CeGaT Center For Human Genetics Tuebingen Variant Classification Criteria Version 2. Collection method: clinical testing. Allele origin: germline. Affected: yes. Observed: 1 variant allele.
Comment: CYP11A1: BP4, BP7

Labcorp Genetics (formerly Invitae), Labcorp
Classification: Likely benign. Last evaluated: 2024-01-04. Review status: criteria provided, single submitter. Criteria: Invitae Variant Classification Sherloc (09022015). Collection method: clinical testing. Allele origin: germline.

Blueprint Genetics
Classification: Likely benign. Last evaluated: 2023-11-21. Review status: criteria provided, single submitter. Criteria: ACMG Guidelines, 2015. Collection method: clinical testing. Allele origin: germline.